The following is an entry in ClinVar:

NM_007373.4(SHOC2):c.212C>T (p.Thr71Met)

Gene: SHOC2 (SHOC2 leucine rich repeat scaffold protein; plus strand). Cytogenetic location: 10q25.2.
Variant type: single nucleotide variant.
Coding change: c.212C>T on transcript NM_007373.4 (MANE Select); coding-DNA position 212, C replaced by T.
Protein change: p.Thr71Met; replaces threonine 71 with methionine.
Molecular consequence: missense variant.
Genome position (GRCh38, 1-based): chr10:110,964,570, C>T. VCF-style: chr10-110964570-C-T. GRCh37 (hg19) VCF-style: chr10-112724328-C-T.
Other names: c.212C>T, p.Thr71Met (NM_001269039.3, NM_001324336.2, NM_001324337.2); short protein forms T71M.
Identifiers: ClinVar variation 2912183 (VCV002912183.4), dbSNP rs773048362, ClinGen allele CA5689561.

ClinVar aggregate classification (germline): Uncertain significance. Review status: criteria provided, multiple submitters, no conflicts (2 of 4 stars). 2 submissions from 2 submitters: Uncertain significance (2). Last evaluated 2025-02-12.

Conditions:
Cardiovascular phenotype. Identifiers: MedGen CN230736.
RASopathy. Also called: rasopathies; Noonan spectrum disorder. Identifiers: Orphanet 536391, MedGen C5555857, MONDO:0021060.

Allele frequency attached by ClinVar (database versions not stated): gnomAD exomes below 0.00001; TOPMed below 0.00001; ExAC 0.00001; gnomAD 0.00001.
gnomAD v4.1: 3 of 1,613,894 alleles (0.00019%); highest among the groups gnomAD compares: Non-Finnish European, 0.00017%; no homozygotes.

Submissions (2):

Labcorp Genetics (formerly Invitae), Labcorp
Classification: Uncertain significance for RASopathy. Last evaluated: 2025-02-12. Review status: criteria provided, single submitter. Criteria: Invitae Variant Classification Sherloc (09022015). Collection method: clinical testing. Allele origin: germline.
Comment: This sequence change replaces threonine, which is neutral and polar, with methionine, which is neutral and non-polar, at codon 71 of the SHOC2 protein (p.Thr71Met). This variant is present in population databases (rs773048362, gnomAD 0.004%). This variant has not been reported in the literature in individuals affected with SHOC2-related conditions. ClinVar contains an entry for this variant (Variation ID: 2912183). Invitae Evidence Modeling of protein sequence and biophysical properties (such as structural, functional, and spatial information, amino acid conservation, physicochemical variation, residue mobility, and thermodynamic stability) indicates that this missense variant is not expected to disrupt SHOC2 protein function with a negative predictive value of 80%. In summary, the available evidence is currently insufficient to determine the role of this variant in disease. Therefore, it has been classified as a Variant of Uncertain Significance.

Ambry Genetics
Classification: Uncertain significance for Cardiovascular phenotype. Last evaluated: 2024-03-28. Review status: criteria provided, single submitter. Criteria: Ambry Variant Classification Scheme 2023. Collection method: clinical testing. Allele origin: germline.
Comment: The p.T71M variant (also known as c.212C>T), located in coding exon 1 of the SHOC2 gene, results from a C to T substitution at nucleotide position 212. The threonine at codon 71 is replaced by methionine, an amino acid with similar properties. This amino acid position is conserved. In addition, the in silico prediction for this alteration is inconclusive. Based on the available evidence, the clinical significance of this alteration remains unclear.